The following is an entry in ClinVar:

ClinVar aggregate classification (germline): Likely benign. Review status: criteria provided, multiple submitters, no conflicts (2 of 4 stars). 2 submissions from 2 submitters: Likely benign (2). Last evaluated 2025-12-08.

Conditions:
Generalized epilepsy-paroxysmal dyskinesia syndrome (PNKD3). Also called: Generalized epilepsy and paroxysmal dyskinesia; Paroxysmal nonkinesigenic dyskinesia, 3, with or without generalized epilepsy. Identifiers: Orphanet 79137, MedGen C5574945, MONDO:0012276, OMIM 609446.

Allele frequency attached by ClinVar (database versions not stated): gnomAD 0.00002; TOPMed 0.00002; gnomAD exomes 0.00003.
gnomAD v4.1: 54 of 1,613,362 alleles (0.0033%); highest among the groups gnomAD compares: South Asian, 0.037%; no homozygotes.

Submissions (2):

Labcorp Genetics (formerly Invitae), Labcorp
Classification: Likely benign for Generalized epilepsy-paroxysmal dyskinesia syndrome. Last evaluated: 2025-12-08. Review status: criteria provided, single submitter. Criteria: Invitae Variant Classification Sherloc (09022015). Collection method: clinical testing. Allele origin: germline.

CeGaT Center for Human Genetics Tuebingen
Classification: Likely benign. Last evaluated: 2023-10-01. Review status: criteria provided, single submitter. Criteria: CeGaT Center For Human Genetics Tuebingen Variant Classification Criteria Version 2. Collection method: clinical testing. Allele origin: germline. Affected: yes. Observed: 1 variant allele.
Comment: KCNMA1: BP4, BP7

NM_001161352.2(KCNMA1):c.3318C>T (p.Leu1106=)

Genes: KCNMA1-AS1 (KCNMA1 antisense RNA 1; plus strand), KCNMA1 (potassium calcium-activated channel subfamily M alpha 1; minus strand). Cytogenetic location: 10q22.3.
Variant type: single nucleotide variant.
Coding change: c.3318C>T on transcript NM_001161352.2 (MANE Select); coding-DNA position 3318, C replaced by T.
Protein change: p.Leu1106=; no amino-acid change (leucine 1106 retained).
Molecular consequence: synonymous variant.
Genome position (GRCh38, 1-based): chr10:76,891,549, G>A on the plus strand (C>T on the coding strand, the complement: KCNMA1 is on the minus strand). VCF-style: chr10-76891549-G-A. GRCh37 (hg19) VCF-style: chr10-78651307-G-A.
Other names: c.3156C>T, p.Leu1052= (NM_001014797.3); c.3267C>T, p.Leu1089= (NM_001161353.2); c.2994C>T, p.Leu998= (NM_001271518.2); c.3234C>T, p.Leu1078= (NM_001271519.2); c.3153C>T, p.Leu1051= (NM_001322829.2, NM_001322836.2); c.3246C>T, p.Leu1082= (NM_001322830.2); c.3144C>T, p.Leu1048= (NM_001322832.2, NM_002247.4); c.3237C>T, p.Leu1079= (NM_001322835.2, NM_001322837.2); and 1 more.
Identifiers: ClinVar variation 532954 (VCV000532954.35), dbSNP rs779632278, ClinGen allele CA5567874.